The following is an entry in ClinVar:

ClinVar aggregate classification (germline): Uncertain significance (1 of 4 stars; one submission).

Conditions:
ADCY5-related disorder. Also called: ADCY5-related condition.

Submission:

PreventionGenetics, part of Exact Sciences
Classification: Uncertain significance for ADCY5-related condition. Last evaluated: 2025-03-10. Review status: criteria provided, single submitter. Criteria: ACMG Guidelines, 2015. Collection method: clinical testing. Allele origin: germline.
Comment: The ADCY5 c.24_25delinsA variant is predicted to result in a frameshift and premature protein termination (p.Ser8Argfs*54). To our knowledge, this variant has not been reported in the literature or in a large population database (gnomAD), indicating this variant is rare. Although we suspect that this variant may be pathogenic, at this time, the clinical significance of this variant is uncertain due to the absence of conclusive functional and genetic evidence.

NM_183357.3(ADCY5):c.24_25delinsA (p.Ser8fs)

Gene: ADCY5 (adenylate cyclase 5; minus strand). Cytogenetic location: 3q21.1.
Variant type: Indel.
Coding change: c.24_25delinsA on transcript NM_183357.3 (MANE Select); coding-DNA positions 24 to 25, CC replaced by A.
Protein change: p.Ser8fs; shifts the reading frame from serine 8.
Molecular consequence: frameshift variant.
Genome position (GRCh38, 1-based): chr3:123,448,521-123,448,522, GG replaced by T on the plus strand (CC replaced by A on the coding strand, the reverse complement: ADCY5 is on the minus strand). VCF-style: chr3-123448521-GG-T. GRCh37 (hg19) VCF-style: chr3-123167368-GG-T.
Other names: c.24_25delinsA, p.Ser8fs (NM_001378259.1); short protein forms S8fs.
Identifiers: ClinVar variation 4998072 (VCV004998072.1).